The following is an entry in ClinVar:

NM_015474.4(SAMHD1):c.17C>T (p.Ser6Phe)

Gene: SAMHD1 (SAM and HD domain containing deoxynucleoside triphosphate triphosphohydrolase 1; minus strand). Cytogenetic location: 20q11.23.
Variant type: single nucleotide variant.
Coding change: c.17C>T on transcript NM_015474.4 (MANE Select); coding-DNA position 17, C replaced by T.
Protein change: p.Ser6Phe; replaces serine 6 with phenylalanine.
Molecular consequence: missense variant.
Genome position (GRCh38, 1-based): chr20:36,951,627, G>A on the plus strand (C>T on the coding strand, the complement: SAMHD1 is on the minus strand). VCF-style: chr20-36951627-G-A. GRCh37 (hg19) VCF-style: chr20-35580030-G-A.
Other names: c.17C>T, p.Ser6Phe (NM_001363729.2, NM_001363733.2); short protein forms S6F.
Identifiers: ClinVar variation 1401679 (VCV001401679.3), dbSNP rs780617865, ClinGen allele CA9844853.

ClinVar aggregate classification (germline): Uncertain significance (1 of 4 stars; one submission).

Conditions:
Aicardi-Goutieres syndrome 5. Identifiers: Orphanet 51, MedGen C2749659, MONDO:0013059, OMIM 612952.

Allele frequency attached by ClinVar (database versions not stated): ExAC 0.00002; gnomAD 0.00002; gnomAD exomes 0.00002; TOPMed 0.00003.
gnomAD v4.1: 17 of 1,613,690 alleles (0.0011%); highest among the groups gnomAD compares: Admixed American, 0.0067%; no homozygotes.

Submission:

Labcorp Genetics (formerly Invitae), Labcorp
Classification: Uncertain significance for Aicardi-Goutieres syndrome 5. Last evaluated: 2022-02-27. Review status: criteria provided, single submitter. Criteria: Invitae Variant Classification Sherloc (09022015). Collection method: clinical testing. Allele origin: germline.
Comment: This sequence change replaces serine, which is neutral and polar, with phenylalanine, which is neutral and non-polar, at codon 6 of the SAMHD1 protein (p.Ser6Phe). This variant is present in population databases (rs780617865, gnomAD 0.004%). This variant has not been reported in the literature in individuals affected with SAMHD1-related conditions. Algorithms developed to predict the effect of missense changes on protein structure and function (SIFT, PolyPhen-2, Align-GVGD) all suggest that this variant is likely to be tolerated. In summary, the available evidence is currently insufficient to determine the role of this variant in disease. Therefore, it has been classified as a Variant of Uncertain Significance.